The following is an entry in ClinVar:

NM_030962.4(SBF2):c.1333G>A (p.Glu445Lys)

Gene: SBF2 (SET binding factor 2; minus strand). Cytogenetic location: 11p15.4.
Variant type: single nucleotide variant.
Coding change: c.1333G>A on transcript NM_030962.4 (MANE Select); coding-DNA position 1333, G replaced by A.
Protein change: p.Glu445Lys; replaces glutamic acid 445 with lysine.
Molecular consequence: missense variant.
Genome position (GRCh38, 1-based): chr11:9,989,559, C>T on the plus strand (G>A on the coding strand, the complement: SBF2 is on the minus strand). VCF-style: chr11-9989559-C-T. GRCh37 (hg19) VCF-style: chr11-10011106-C-T.
Other names: c.1333G>A, p.Glu445Lys (NM_001386339.1); c.1204G>A, p.Glu402Lys (NM_001386342.1); short protein forms E445K, E402K.
Identifiers: ClinVar variation 573973 (VCV000573973.9), dbSNP rs1565100821, ClinGen allele CA379636392.

ClinVar aggregate classification (germline): Uncertain significance (1 of 4 stars; one submission).

Conditions:
Charcot-Marie-Tooth disease type 4. Also called: Charcot-Marie-Tooth disease, type IV; Charcot-Marie-Tooth, Type 4. Identifiers: Orphanet 64749, MedGen C4082197, MONDO:0018995.

Submission:

Labcorp Genetics (formerly Invitae), Labcorp
Classification: Uncertain significance for Charcot-Marie-Tooth disease type 4. Last evaluated: 2018-06-20. Review status: criteria provided, single submitter. Criteria: Invitae Variant Classification Sherloc (09022015). Collection method: clinical testing. Allele origin: germline.
Comment: This variant has not been reported in the literature in individuals with SBF2-related disease. In summary, the available evidence is currently insufficient to determine the role of this variant in disease. Therefore, it has been classified as a Variant of Uncertain Significance. Algorithms developed to predict the effect of missense changes on protein structure and function (SIFT, PolyPhen-2, Align-GVGD) all suggest that this variant is likely to be tolerated, but these predictions have not been confirmed by published functional studies and their clinical significance is uncertain. This variant is not present in population databases (ExAC no frequency). This sequence change replaces glutamic acid with lysine at codon 445 of the SBF2 protein (p.Glu445Lys). The glutamic acid residue is moderately conserved and there is a small physicochemical difference between glutamic acid and lysine.